The following is an entry in ClinVar:

ClinVar aggregate classification (germline): Likely benign (1 of 4 stars; one submission).

Allele frequency attached by ClinVar (database versions not stated): gnomAD exomes 0.00001; TOPMed 0.00001; gnomAD 0.00002.
gnomAD v4.1: 14 of 1,613,126 alleles (0.00087%); highest among the groups gnomAD compares: East Asian, 0.0067%; no homozygotes.

Submission:

CeGaT Center for Human Genetics Tuebingen
Classification: Likely benign. Last evaluated: 2022-08-01. Review status: criteria provided, single submitter. Criteria: CeGaT Center For Human Genetics Tuebingen Variant Classification Criteria Version 2. Collection method: clinical testing. Allele origin: germline. Affected: yes. Observed: 1 variant allele.
Comment: PCYT2: BP4, BP7

NM_002861.5(PCYT2):c.447C>T (p.Leu149=)

Gene: PCYT2 (phosphate cytidylyltransferase 2, ethanolamine; minus strand). Cytogenetic location: 17q25.3.
Variant type: single nucleotide variant.
Coding change: c.447C>T on transcript NM_002861.5 (MANE Select); coding-DNA position 447, C replaced by T.
Protein change: p.Leu149=; no amino-acid change (leucine 149 retained).
Molecular consequence: synonymous variant.
Genome position (GRCh38, 1-based): chr17:81,907,818, G>A on the plus strand (C>T on the coding strand, the complement: PCYT2 is on the minus strand). VCF-style: chr17-81907818-G-A. GRCh37 (hg19) VCF-style: chr17-79865694-G-A.
Other names: c.447C>T, p.Leu149= (NM_001184917.3, NM_001330518.2); c.285C>T, p.Leu95= (NM_001256433.3); c.270C>T, p.Leu90= (NM_001256434.3); c.213C>T, p.Leu71= (NM_001256435.3, NM_001282203.2); c.351C>T, p.Leu117= (NM_001282204.2).
Identifiers: ClinVar variation 2648472 (VCV002648472.24), dbSNP rs1449968359, ClinGen allele CA502315568.